The following is an entry in ClinVar:

ClinVar aggregate classification (germline): Uncertain significance (1 of 4 stars; one submission).

Conditions:
Charcot-Marie-Tooth disease axonal type 2O. Also called: Charcot-Marie-Tooth disease, axonal, type 20; CHARCOT-MARIE-TOOTH NEUROPATHY, AXONAL, TYPE 2O; CHARCOT-MARIE-TOOTH DISEASE, AXONAL, AUTOSOMAL DOMINANT, TYPE 2O; Charcot-Marie-Tooth Neuropathy Type 2O. Identifiers: Orphanet 284232, MedGen C3280220, MONDO:0013644, OMIM 614228.

Submission:

Labcorp Genetics (formerly Invitae), Labcorp
Classification: Uncertain significance for Charcot-Marie-Tooth disease axonal type 2O. Last evaluated: 2024-10-09. Review status: criteria provided, single submitter. Criteria: Invitae Variant Classification Sherloc (09022015). Collection method: clinical testing. Allele origin: germline.
Comment: This sequence change replaces glycine, which is neutral and non-polar, with alanine, which is neutral and non-polar, at codon 3911 of the DYNC1H1 protein (p.Gly3911Ala). This variant is not present in population databases (gnomAD no frequency). This variant has not been reported in the literature in individuals affected with DYNC1H1-related conditions. Invitae Evidence Modeling of protein sequence and biophysical properties (such as structural, functional, and spatial information, amino acid conservation, physicochemical variation, residue mobility, and thermodynamic stability) has been performed for this missense variant. However, the output from this modeling did not meet the statistical confidence thresholds required to predict the impact of this variant on DYNC1H1 protein function. In summary, the available evidence is currently insufficient to determine the role of this variant in disease. Therefore, it has been classified as a Variant of Uncertain Significance.

NM_001376.5(DYNC1H1):c.11732G>C (p.Gly3911Ala)

Gene: DYNC1H1 (dynein cytoplasmic 1 heavy chain 1; plus strand). Cytogenetic location: 14q32.31.
Variant type: single nucleotide variant.
Coding change: c.11732G>C on transcript NM_001376.5 (MANE Select); coding-DNA position 11732, G replaced by C.
Protein change: p.Gly3911Ala; replaces glycine 3911 with alanine.
Molecular consequence: missense variant.
Genome position (GRCh38, 1-based): chr14:102,040,277, G>C. VCF-style: chr14-102040277-G-C. GRCh37 (hg19) VCF-style: chr14-102506614-G-C.
Other names: short protein forms G3911A.
Identifiers: ClinVar variation 3636183 (VCV003636183.2).